The following is an entry in ClinVar:

NM_002878.4(RAD51D):c.842T>A (p.Ile281Asn)

Genes: RAD51L3-RFFL (RAD51L3-RFFL readthrough; minus strand), RAD51D (RAD51 paralog D; minus strand). Cytogenetic location: 17q12.
Variant type: single nucleotide variant.
Coding change: c.842T>A on transcript NM_002878.4 (MANE Select); coding-DNA position 842, T replaced by A.
Protein change: p.Ile281Asn; replaces isoleucine 281 with asparagine.
Molecular consequence: missense variant. On other transcripts: non-coding transcript variant (3).
Genome position (GRCh38, 1-based): chr17:35,101,262, A>T on the plus strand (T>A on the coding strand, the complement: RAD51D is on the minus strand). VCF-style: chr17-35101262-A-T. GRCh37 (hg19) VCF-style: chr17-33428281-A-T.
Other names: c.902T>A, p.Ile301Asn (NM_001142571.2); c.506T>A, p.Ile169Asn (NM_133629.3); short protein forms I301N, I169N, I281N.
Identifiers: ClinVar variation 5027821 (VCV005027821.1).
Genomic context (GRCh38, chr17:35,101,262, plus strand): 5'-TGTCGGGAAGATTTGGCCAGACACGCCATGCGCCGGCCGCCTGATGCTCCTGCTCCCTCG[A>T]TGGTGTCCAGGAGAATCCGAGTGCTGGGCACAAAGCTCCAGGAGCGTCCGAGGGCAGGTT-3'
Protein context (NP_002869.3, residues 271-291): VPSTRILLDT[Ile281Asn]EGAGASGGRR

ClinVar aggregate classification (germline): Uncertain significance (1 of 4 stars; one submission).

Conditions:
Hereditary cancer-predisposing syndrome. Also called: Neoplastic Syndromes, Hereditary; Tumor predisposition; Hereditary neoplastic syndrome; Hereditary Cancer Syndrome. Identifiers: Orphanet 140162, MedGen C0027672, MeSH D009386, MONDO:0015356.

Submission:

Ambry Genetics
Classification: Uncertain significance for Hereditary cancer-predisposing syndrome. Last evaluated: 2026-07-11. Review status: criteria provided, single submitter. Criteria: Ambry Variant Classification Scheme 2023. Collection method: clinical testing. Allele origin: germline.
Comment: The p.I281N variant (also known as c.842T>A), located in coding exon 9 of the RAD51D gene, results from a T to A substitution at nucleotide position 842. The isoleucine at codon 281 is replaced by asparagine, an amino acid with dissimilar properties. This amino acid position is conserved. In addition, this alteration is predicted to be tolerated by in silico analysis. Based on the available evidence, the clinical significance of this variant remains unclear.